The following is an entry in ClinVar:

ClinVar aggregate classification (germline): Uncertain significance (1 of 4 stars; one submission).

gnomAD v4.1: 6 of 1,613,584 alleles (0.00037%); highest among the groups gnomAD compares: South Asian, 0.0011%; no homozygotes.

Submission:

Labcorp Genetics (formerly Invitae), Labcorp
Classification: Uncertain significance. Last evaluated: 2025-08-24. Review status: criteria provided, single submitter. Criteria: Invitae Variant Classification Sherloc (09022015). Collection method: clinical testing. Allele origin: germline.
Comment: This sequence change replaces proline, which is neutral and non-polar, with histidine, which is basic and polar, at codon 1195 of the ALPK1 protein (p.Pro1195His). This variant is not present in population databases (gnomAD no frequency). This variant has not been reported in the literature in individuals affected with ALPK1-related conditions. An algorithm developed to predict the effect of missense changes on protein structure and function (PolyPhen-2) suggests that this variant is likely to be disruptive. In summary, the available evidence is currently insufficient to determine the role of this variant in disease. Therefore, it has been classified as a Variant of Uncertain Significance.

NM_025144.4(ALPK1):c.3584C>A (p.Pro1195His)

Gene: ALPK1 (alpha kinase 1; plus strand). Cytogenetic location: 4q25.
Variant type: single nucleotide variant.
Coding change: c.3584C>A on transcript NM_025144.4 (MANE Select); coding-DNA position 3584, C replaced by A.
Protein change: p.Pro1195His; replaces proline 1195 with histidine.
Molecular consequence: missense variant.
Genome position (GRCh38, 1-based): chr4:112,440,962, C>A. VCF-style: chr4-112440962-C-A. GRCh37 (hg19) VCF-style: chr4-113362118-C-A.
Other names: c.3584C>A, p.Pro1195His (NM_001102406.2); c.3350C>A, p.Pro1117His (NM_001253884.2); short protein forms P1117H, P1195H.
Identifiers: ClinVar variation 4805119 (VCV004805119.1).